The following is an entry in ClinVar:

ClinVar aggregate classification (germline): Uncertain significance (1 of 4 stars; one submission).

Submission:

Labcorp Genetics (formerly Invitae), Labcorp
Classification: Uncertain significance. Last evaluated: 2025-06-22. Review status: criteria provided, single submitter. Criteria: Invitae Variant Classification Sherloc (09022015). Collection method: clinical testing. Allele origin: germline.
Comment: This sequence change replaces valine, which is neutral and non-polar, with isoleucine, which is neutral and non-polar, at codon 621 of the GANAB protein (p.Val621Ile). This variant is not present in population databases (gnomAD no frequency). This variant has not been reported in the literature in individuals affected with GANAB-related conditions. Invitae Evidence Modeling of protein sequence and biophysical properties (such as structural, functional, and spatial information, amino acid conservation, physicochemical variation, residue mobility, and thermodynamic stability) indicates that this missense variant is not expected to disrupt GANAB protein function with a negative predictive value of 80%. In summary, the available evidence is currently insufficient to determine the role of this variant in disease. Therefore, it has been classified as a Variant of Uncertain Significance.

NM_198334.3(GANAB):c.1795G>A (p.Val599Ile)

Gene: GANAB (glucosidase II alpha subunit; minus strand). Cytogenetic location: 11q12.3.
Variant type: single nucleotide variant.
Coding change: c.1795G>A on transcript NM_198334.3 (MANE Select); coding-DNA position 1795, G replaced by A.
Protein change: p.Val599Ile; replaces valine 599 with isoleucine.
Molecular consequence: missense variant.
Genome position (GRCh38, 1-based): chr11:62,629,627, C>T on the plus strand (G>A on the coding strand, the complement: GANAB is on the minus strand). VCF-style: chr11-62629627-C-T. GRCh37 (hg19) VCF-style: chr11-62397099-C-T.
Other names: c.1519G>A, p.Val507Ile (NM_001278192.2); c.1453G>A, p.Val485Ile (NM_001278193.2); c.1504G>A, p.Val502Ile (NM_001278194.2, NM_001329222.2, NM_001329223.2); c.1072G>A, p.Val358Ile (NM_001329224.2, NM_001329225.2); c.1861G>A, p.Val621Ile (NM_198335.4); short protein forms V358I, V485I, V502I, V507I, V599I, V621I.
Identifiers: ClinVar variation 4806024 (VCV004806024.1).